The following is an entry in ClinVar:

ClinVar aggregate classification (germline): Uncertain significance (1 of 4 stars; one submission).

Submission:

Labcorp Genetics (formerly Invitae), Labcorp
Classification: Uncertain significance. Last evaluated: 2024-07-03. Review status: criteria provided, single submitter. Criteria: Invitae Variant Classification Sherloc (09022015). Collection method: clinical testing. Allele origin: germline.
Comment: This sequence change replaces tyrosine, which is neutral and polar, with histidine, which is basic and polar, at codon 277 of the TGM1 protein (p.Tyr277His). This variant is not present in population databases (gnomAD no frequency). This missense change has been observed in individual(s) with clinical features of TGM1-related conditions (Invitae). Advanced modeling of protein sequence and biophysical properties (such as structural, functional, and spatial information, amino acid conservation, physicochemical variation, residue mobility, and thermodynamic stability) has been performed at Invitae for this missense variant, however the output from this modeling did not meet the statistical confidence thresholds required to predict the impact of this variant on TGM1 protein function. In summary, the available evidence is currently insufficient to determine the role of this variant in disease. Therefore, it has been classified as a Variant of Uncertain Significance.

NM_000359.3(TGM1):c.829T>C (p.Tyr277His)

Gene: TGM1 (transglutaminase 1; minus strand). Cytogenetic location: 14q12.
Variant type: single nucleotide variant.
Coding change: c.829T>C on transcript NM_000359.3 (MANE Select); coding-DNA position 829, T replaced by C.
Protein change: p.Tyr277His; replaces tyrosine 277 with histidine.
Molecular consequence: missense variant.
Genome position (GRCh38, 1-based): chr14:24,259,987, A>G on the plus strand (T>C on the coding strand, the complement: TGM1 is on the minus strand). VCF-style: chr14-24259987-A-G. GRCh37 (hg19) VCF-style: chr14-24729193-A-G.
Other names: short protein forms Y277H.
Identifiers: ClinVar variation 3636067 (VCV003636067.2).